The following is an entry in ClinVar:

ClinVar aggregate classification (germline): Uncertain significance (1 of 4 stars; one submission).

Allele frequency attached by ClinVar (database versions not stated): ExAC 0.00003; gnomAD 0.00003; gnomAD exomes 0.00003 and 0.00006; TOPMed 0.00003; ESP Exome Variant Server 0.00008.
gnomAD v4.1: 49 of 1,613,636 alleles (0.003%); highest among the groups gnomAD compares: South Asian, 0.019%; no homozygotes.

Submission:

Labcorp Genetics (formerly Invitae), Labcorp
Classification: Uncertain significance. Last evaluated: 2024-10-25. Review status: criteria provided, single submitter. Criteria: Invitae Variant Classification Sherloc (09022015). Collection method: clinical testing. Allele origin: germline.
Comment: This sequence change replaces arginine, which is basic and polar, with cysteine, which is neutral and slightly polar, at codon 843 of the COL9A1 protein (p.Arg843Cys). This variant is present in population databases (rs143217938, gnomAD 0.02%). This variant has not been reported in the literature in individuals affected with COL9A1-related conditions. ClinVar contains an entry for this variant (Variation ID: 1446742). Invitae Evidence Modeling of protein sequence and biophysical properties (such as structural, functional, and spatial information, amino acid conservation, physicochemical variation, residue mobility, and thermodynamic stability) indicates that this missense variant is not expected to disrupt COL9A1 protein function with a negative predictive value of 95%. In summary, the available evidence is currently insufficient to determine the role of this variant in disease. Therefore, it has been classified as a Variant of Uncertain Significance.

NM_001851.6(COL9A1):c.2527C>T (p.Arg843Cys)

Gene: COL9A1 (collagen type IX alpha 1 chain; minus strand). Cytogenetic location: 6q13.
Variant type: single nucleotide variant.
Coding change: c.2527C>T on transcript NM_001851.6 (MANE Select); coding-DNA position 2527, C replaced by T.
Protein change: p.Arg843Cys; replaces arginine 843 with cysteine.
Molecular consequence: missense variant. On other transcripts: non-coding transcript variant (1).
Genome position (GRCh38, 1-based): chr6:70,225,986, G>A on the plus strand (C>T on the coding strand, the complement: COL9A1 is on the minus strand). VCF-style: chr6-70225986-G-A. GRCh37 (hg19) VCF-style: chr6-70935689-G-A.
Other names: c.1828C>T, p.Arg610Cys (NM_001377289.1); c.1651C>T, p.Arg551Cys (NM_001377290.1); c.1798C>T, p.Arg600Cys (NM_078485.4); short protein forms R610C, R843C, R600C, R551C.
Identifiers: ClinVar variation 1446742 (VCV001446742.5), dbSNP rs143217938, ClinGen allele CA3881742.